The following is an entry in ClinVar:

NM_024649.5(BBS1):c.329C>A (p.Pro110His)

Gene: BBS1 (Bardet-Biedl syndrome 1; plus strand). Cytogenetic location: 11q13.2.
Variant type: single nucleotide variant.
Coding change: c.329C>A on transcript NM_024649.5 (MANE Select); coding-DNA position 329, C replaced by A.
Protein change: p.Pro110His; replaces proline 110 with histidine.
Molecular consequence: missense variant.
Genome position (GRCh38, 1-based): chr11:66,514,575, C>A. VCF-style: chr11-66514575-C-A. GRCh37 (hg19) VCF-style: chr11-66282046-C-A.
Other names: short protein forms P110H.
Identifiers: ClinVar variation 382262 (VCV000382262.4), dbSNP rs750288768, ClinGen allele CA6123306.

ClinVar aggregate classification (germline): Uncertain significance. Review status: criteria provided, multiple submitters, no conflicts (2 of 4 stars). 3 submissions from 3 submitters: Uncertain significance (2). 1 of the submissions does not count toward it. Last evaluated 2023-10-01.

Conditions:
Retinal dystrophy. Also called: Inherited retinal dystrophy. Identifiers: Orphanet 71862, MedGen C0854723, MeSH D058499, MONDO:0019118, HP:0000556.
Bardet-Biedl syndrome 1 (BBS1). Identifiers: MedGen C2936862, MONDO:0008854, OMIM 209900. Disease mechanism: loss of function.

Allele frequency attached by ClinVar (database versions not stated): ExAC 0.00001; gnomAD exomes 0.00002.
gnomAD v4.1: 9 of 1,614,096 alleles (0.00056%); highest among the groups gnomAD compares: East Asian, 0.02%; no homozygotes.

Submissions (3):

Dept Of Ophthalmology, Nagoya University
Classification: Uncertain significance for Retinal dystrophy. Last evaluated: 2023-10-01. Review status: criteria provided, single submitter. Criteria: Submitter's publication. Collection method: research. Allele origin: germline. Affected: yes.

GeneDx
Classification: Uncertain significance. Last evaluated: 2015-12-08. Review status: criteria provided, single submitter. Criteria: GeneDx Variant Classification (06012015). Collection method: clinical testing. Allele origin: germline. Affected: yes.
Comment: The P110H variant in the BBS1 gene has not been reported previously as a pathogenic variant, nor as a benign variant, to our knowledge. The P110H variant was not observed in approximately 6,500 individuals of European and African American ancestry in the NHLBI Exome Sequencing Project, indicating it is not a common benign variant in these populations. The P110H variant is a non-conservative amino acid substitution, which is likely to impact secondary protein structure as these residues differ in polarity, charge, size and/or other properties. This substitution occurs at a position that is conserved across species. In silico analysis predicts this variant is probably damaging to the protein structure/function. We interpret P110H as a variant of uncertain significance.

Natera, Inc.
Classification: Uncertain significance for Bardet-Biedl syndrome type 1. Last evaluated: 2020-02-25. Review status: no assertion criteria provided. Collection method: clinical testing. Allele origin: germline. Not counted in ClinVar's aggregate classification.